The following is an entry in ClinVar:

ClinVar aggregate classification (germline): Uncertain significance. Review status: criteria provided, multiple submitters, no conflicts (2 of 4 stars). 2 submissions from 2 submitters: Uncertain significance (2). Last evaluated 2025-02-20.

Conditions:
Developmental and epileptic encephalopathy, 1 (DEE1). Also called: OHTAHARA SYNDROME, X-LINKED; INFANTILE SPASM SYNDROME, X-LINKED 1; X-linked infantile spasms; West's syndrome; Tonic spasms with clustering, arrest of psychomotor development and hypsarrhythmia on EEG; X-Linked Infantile Spasm Syndrome. Identifiers: MedGen C3463992, MONDO:0010632, OMIM 308350. Disease mechanism: loss of function.
Autosomal dominant nonsyndromic hearing loss 65. Also called: Deafness, autosomal dominant 65; TBC1D24-Related Autosomal Dominant Nonsyndromic Hearing Loss (DFNA). Identifiers: Orphanet 90635, MedGen C3892048, MONDO:0014470, OMIM 616044.

Allele frequency attached by ClinVar (database versions not stated): ExAC 0.00001; gnomAD 0.00001; gnomAD exomes 0.00001; TOPMed 0.00001; ESP Exome Variant Server 0.00016.

Submissions (2):

Labcorp Genetics (formerly Invitae), Labcorp
Classification: Uncertain significance for Developmental and epileptic encephalopathy, 1; Autosomal dominant nonsyndromic hearing loss 65. Last evaluated: 2025-02-20. Review status: criteria provided, single submitter. Criteria: Invitae Variant Classification Sherloc (09022015). Collection method: clinical testing. Allele origin: germline.
Comment: This sequence change replaces alanine, which is neutral and non-polar, with threonine, which is neutral and polar, at codon 461 of the TBC1D24 protein (p.Ala461Thr). This variant is present in population databases (rs201911646, gnomAD 0.003%). This variant has not been reported in the literature in individuals affected with TBC1D24-related conditions. ClinVar contains an entry for this variant (Variation ID: 1045141). Invitae Evidence Modeling of protein sequence and biophysical properties (such as structural, functional, and spatial information, amino acid conservation, physicochemical variation, residue mobility, and thermodynamic stability) indicates that this missense variant is not expected to disrupt TBC1D24 protein function with a negative predictive value of 95%. In summary, the available evidence is currently insufficient to determine the role of this variant in disease. Therefore, it has been classified as a Variant of Uncertain Significance.

CeGaT Center for Human Genetics Tuebingen
Classification: Uncertain significance. Last evaluated: 2025-02-01. Review status: criteria provided, single submitter. Criteria: CeGaT Center For Human Genetics Tuebingen Variant Classification Criteria Version 2. Collection method: clinical testing. Allele origin: germline. Affected: yes. Observed: 1 variant allele.
Comment: TBC1D24: PM2, BP4

NM_001199107.2(TBC1D24):c.1381G>A (p.Ala461Thr)

Gene: TBC1D24 (TBC1 domain family member 24; plus strand). Cytogenetic location: 16p13.3.
Variant type: single nucleotide variant.
Coding change: c.1381G>A on transcript NM_001199107.2 (MANE Select); coding-DNA position 1381, G replaced by A.
Protein change: p.Ala461Thr; replaces alanine 461 with threonine.
Molecular consequence: missense variant.
Genome position (GRCh38, 1-based): chr16:2,500,346, G>A. VCF-style: chr16-2500346-G-A. GRCh37 (hg19) VCF-style: chr16-2550347-G-A.
Other names: c.1363G>A, p.Ala455Thr (NM_020705.3); short protein forms A455T, A461T.
Identifiers: ClinVar variation 1045141 (VCV001045141.12), dbSNP rs201911646, ClinGen allele CA7844278.